The following is an entry in ClinVar:

NM_153460.4(IL17RC):c.2117G>T (p.Arg706Leu)

Genes: IL17RC (interleukin 17 receptor C; plus strand), LOC129936144 (ATAC-STARR-seq lymphoblastoid silent region 14051; plus strand). Cytogenetic location: 3p25.3.
Variant type: single nucleotide variant.
Coding change: c.2117G>T on transcript NM_153460.4 (MANE Select); coding-DNA position 2117, G replaced by T.
Protein change: p.Arg706Leu; replaces arginine 706 with leucine.
Molecular consequence: missense variant. On other transcripts: non-coding transcript variant (1).
Genome position (GRCh38, 1-based): chr3:9,933,547, G>T. VCF-style: chr3-9933547-G-T. GRCh37 (hg19) VCF-style: chr3-9975231-G-T.
Other names: c.2078G>T, p.Arg693Leu (NM_001203263.2); c.2027G>T, p.Arg676Leu (NM_001203264.2); c.2021G>T, p.Arg674Leu (NM_001203265.2); c.2039G>T, p.Arg680Leu (NM_001367278.1); c.1958G>T, p.Arg653Leu (NM_001367279.1); c.2033G>T, p.Arg678Leu (NM_001367280.1); c.2072G>T, p.Arg691Leu (NM_032732.6); c.2330G>T, p.Arg777Leu (NM_153461.4); short protein forms R676L, R678L, R680L, R693L, R674L, R691L, R706L, R653L.
Identifiers: ClinVar variation 948448 (VCV000948448.7), dbSNP rs1385111108, ClinGen allele CA351709850.

ClinVar aggregate classification (germline): Uncertain significance (1 of 4 stars; one submission).

Conditions:
Candidiasis, familial, 9 (CANDF9). Identifiers: Orphanet 1334, MedGen C4225324, MONDO:0014642, OMIM 616445.

Allele frequency attached by ClinVar (database versions not stated): TOPMed below 0.00001.
gnomAD v4.1: 1 of 1,606,794 alleles (0.000062%); highest among the groups gnomAD compares: Non-Finnish European, 0.000085%; no homozygotes.

Submission:

Labcorp Genetics (formerly Invitae), Labcorp
Classification: Uncertain significance for Candidiasis, familial, 9. Last evaluated: 2019-08-06. Review status: criteria provided, single submitter. Criteria: Invitae Variant Classification Sherloc (09022015). Collection method: clinical testing. Allele origin: germline.
Comment: In summary, the available evidence is currently insufficient to determine the role of this variant in disease. Therefore, it has been classified as a Variant of Uncertain Significance. Algorithms developed to predict the effect of missense changes on protein structure and function output the following: SIFT: "Tolerated"; PolyPhen-2: "Benign"; Align-GVGD: "Class C0". The leucine amino acid residue is found in multiple mammalian species, suggesting that this missense change does not adversely affect protein function. These predictions have not been confirmed by published functional studies and their clinical significance is uncertain. This variant has not been reported in the literature in individuals with IL17RC-related conditions. This variant is not present in population databases (ExAC no frequency). This sequence change replaces arginine with leucine at codon 777 of the IL17RC protein (p.Arg777Leu). The arginine residue is weakly conserved and there is a moderate physicochemical difference between arginine and leucine.